The following is an entry in ClinVar:

ClinVar aggregate classification (germline): Uncertain significance (1 of 4 stars; one submission).

gnomAD v4.1: 8 of 1,594,286 alleles (0.0005%); highest among the groups gnomAD compares: African/African-American, 0.011%; no homozygotes.

Submission:

CeGaT Center for Human Genetics Tuebingen
Classification: Uncertain significance. Last evaluated: 2025-05-01. Review status: criteria provided, single submitter. Criteria: CeGaT Center For Human Genetics Tuebingen Variant Classification Criteria Version 2. Collection method: clinical testing. Allele origin: germline. Affected: yes. Observed: 1 variant allele.
Comment: SIPA1L3: PM2, BP4

NM_015073.3(SIPA1L3):c.25A>T (p.Ser9Cys)

Gene: SIPA1L3 (signal induced proliferation associated 1 like 3; plus strand). Cytogenetic location: 19q13.13.
Variant type: single nucleotide variant.
Coding change: c.25A>T on transcript NM_015073.3 (MANE Select); coding-DNA position 25, A replaced by T.
Protein change: p.Ser9Cys; replaces serine 9 with cysteine.
Molecular consequence: missense variant.
Genome position (GRCh38, 1-based): chr19:38,081,590, A>T. VCF-style: chr19-38081590-A-T. GRCh37 (hg19) VCF-style: chr19-38572230-A-T.
Other names: short protein forms S9C.
Identifiers: ClinVar variation 3905870 (VCV003905870.10).